The following is an entry in ClinVar:

NM_001099403.2(PRDM8):c.1624G>T (p.Ala542Ser)

Gene: PRDM8 (PR/SET domain 8; plus strand). Cytogenetic location: 4q21.21.
Variant type: single nucleotide variant.
Coding change: c.1624G>T on transcript NM_001099403.2 (MANE Select); coding-DNA position 1624, G replaced by T.
Protein change: p.Ala542Ser; replaces alanine 542 with serine.
Molecular consequence: missense variant.
Genome position (GRCh38, 1-based): chr4:80,203,086, G>T. VCF-style: chr4-80203086-G-T. GRCh37 (hg19) VCF-style: chr4-81124240-G-T.
Other names: c.1624G>T, p.Ala542Ser (NM_020226.4); short protein forms A542S.
Identifiers: ClinVar variation 855680 (VCV000855680.9), dbSNP rs866553864, ClinGen allele CA100001373.

ClinVar aggregate classification (germline): Uncertain significance (1 of 4 stars; one submission).

Conditions:
Early-onset Lafora body disease. Also called: Epilepsy, progressive myoclonic, 10. Identifiers: Orphanet 324290, MedGen C4225258, MONDO:0014717, OMIM 616640.

Allele frequency attached by ClinVar (database versions not stated): gnomAD 0.00001; TOPMed 0.00002.
gnomAD v4.1: 9 of 1,569,494 alleles (0.00057%); highest among the groups gnomAD compares: African/African-American, 0.0014%; no homozygotes.

Submission:

Labcorp Genetics (formerly Invitae), Labcorp
Classification: Uncertain significance for Early-onset Lafora body disease. Last evaluated: 2019-03-07. Review status: criteria provided, single submitter. Criteria: Invitae Variant Classification Sherloc (09022015). Collection method: clinical testing. Allele origin: germline.
Comment: In summary, the available evidence is currently insufficient to determine the role of this variant in disease. Therefore, it has been classified as a Variant of Uncertain Significance. Algorithms developed to predict the effect of missense changes on protein structure and function output the following: SIFT: "Tolerated"; PolyPhen-2: "Benign"; Align-GVGD: "Class C0". The serine amino acid residue is found in multiple mammalian species, suggesting that this missense change does not adversely affect protein function. These predictions have not been confirmed by published functional studies and their clinical significance is uncertain. This variant has not been reported in the literature in individuals with PRDM8-related conditions. The frequency data for this variant in the population databases is considered unreliable, as metrics indicate insufficient coverage at this position in the ExAC database. This sequence change replaces alanine with serine at codon 542 of the PRDM8 protein (p.Ala542Ser). The alanine residue is moderately conserved and there is a moderate physicochemical difference between alanine and serine.